The following is an entry in ClinVar:

ClinVar aggregate classification (germline): Likely benign. Review status: criteria provided, multiple submitters, no conflicts (2 of 4 stars). 3 submissions from 3 submitters: Likely benign (3). Last evaluated 2025-03-01.

Conditions:
Inborn genetic diseases. Identifiers: MedGen C0950123, MeSH D030342.

Submissions (3):

CeGaT Center for Human Genetics Tuebingen
Classification: Likely benign. Last evaluated: 2025-03-01. Review status: criteria provided, single submitter. Criteria: CeGaT Center For Human Genetics Tuebingen Variant Classification Criteria Version 2. Collection method: clinical testing. Allele origin: germline. Affected: yes. Observed: 2 variant alleles.
Comment: AKT1: BP4, BP7

Ambry Genetics
Classification: Likely benign for Inborn genetic diseases. Last evaluated: 2021-03-12. Review status: criteria provided, single submitter. Criteria: Ambry Variant Classification Scheme 2023. Collection method: clinical testing. Allele origin: germline.

Labcorp Genetics (formerly Invitae), Labcorp
Classification: Likely benign. Last evaluated: 2018-05-09. Review status: criteria provided, single submitter. Criteria: Invitae Variant Classification Sherloc (09022015). Collection method: clinical testing. Allele origin: germline.

NM_001382430.1(AKT1):c.765T>G (p.Ala255=)

Gene: AKT1 (AKT serine/threonine kinase 1; minus strand). Cytogenetic location: 14q32.33.
Variant type: single nucleotide variant.
Coding change: c.765T>G on transcript NM_001382430.1 (MANE Select); coding-DNA position 765, T replaced by G.
Protein change: p.Ala255=; no amino-acid change (alanine 255 retained).
Molecular consequence: synonymous variant.
Genome position (GRCh38, 1-based): chr14:104,773,518, A>C on the plus strand (T>G on the coding strand, the complement: AKT1 is on the minus strand). VCF-style: chr14-104773518-A-C. GRCh37 (hg19) VCF-style: chr14-105239855-A-C.
Other names: c.765T>G, p.Ala255= (NM_001014431.2, NM_001014432.2, NM_001382431.1 and 3 more transcripts).
Identifiers: ClinVar variation 737986 (VCV000737986.24), dbSNP rs1291522055, ClinGen allele CA488716945.